The following is an entry in ClinVar:

NM_002246.3(KCNK3):c.436G>A (p.Gly146Arg)

Gene: KCNK3 (potassium two pore domain channel subfamily K member 3; plus strand). Cytogenetic location: 2p23.3.
Variant type: single nucleotide variant.
Coding change: c.436G>A on transcript NM_002246.3 (MANE Select); coding-DNA position 436, G replaced by A.
Protein change: p.Gly146Arg; replaces glycine 146 with arginine.
Molecular consequence: missense variant.
Genome position (GRCh38, 1-based): chr2:26,727,819, G>A. VCF-style: chr2-26727819-G-A. GRCh37 (hg19) VCF-style: chr2-26950687-G-A.
Other names: short protein forms G146R.
Identifiers: ClinVar variation 4770481 (VCV004770481.1).
Genomic context (GRCh38, chr2:26,727,819, plus strand): 5'-CAGAGCCTGGGCGAGCGCATCAACACCTTGGTGAGGTACCTGCTGCACCGCGCCAAGAAG[G>A]GGCTGGGCATGCGGCGCGCCGACGTGTCCATGGCCAACATGGTGCTCATCGGCTTCTTCT-3'
Protein context (NP_002237.1, residues 136-156): VRYLLHRAKK[Gly146Arg]LGMRRADVSM

ClinVar aggregate classification (germline): Uncertain significance (1 of 4 stars; one submission).

Conditions:
Pulmonary hypertension, primary, 4. Identifiers: Orphanet 422, MedGen C3809198, MONDO:0014136, OMIM 615344.

Submission:

Labcorp Genetics (formerly Invitae), Labcorp
Classification: Uncertain significance for Pulmonary hypertension, primary, 4. Last evaluated: 2025-06-24. Review status: criteria provided, single submitter. Criteria: Invitae Variant Classification Sherloc (09022015). Collection method: clinical testing. Allele origin: germline.
Comment: This sequence change replaces glycine, which is neutral and non-polar, with arginine, which is basic and polar, at codon 146 of the KCNK3 protein (p.Gly146Arg). This variant is not present in population databases (gnomAD no frequency). This variant has not been reported in the literature in individuals affected with KCNK3-related conditions. Invitae Evidence Modeling of protein sequence and biophysical properties (such as structural, functional, and spatial information, amino acid conservation, physicochemical variation, residue mobility, and thermodynamic stability) indicates that this missense variant is not expected to disrupt KCNK3 protein function with a negative predictive value of 80%. In summary, the available evidence is currently insufficient to determine the role of this variant in disease. Therefore, it has been classified as a Variant of Uncertain Significance.